The following is an entry in ClinVar:

NM_030777.4(SLC2A10):c.1210G>C (p.Gly404Arg)

Gene: SLC2A10 (solute carrier family 2 member 10; plus strand). Cytogenetic location: 20q13.12.
Variant type: single nucleotide variant.
Coding change: c.1210G>C on transcript NM_030777.4 (MANE Select); coding-DNA position 1210, G replaced by C.
Protein change: p.Gly404Arg; replaces glycine 404 with arginine.
Molecular consequence: missense variant.
Genome position (GRCh38, 1-based): chr20:46,726,246, G>C. VCF-style: chr20-46726246-G-C. GRCh37 (hg19) VCF-style: chr20-45354885-G-C.
Other names: short protein forms G404R.
Identifiers: ClinVar variation 2578115 (VCV002578115.1), dbSNP rs1160797836, ClinGen allele CA409269842.
Genomic context (GRCh38, chr20:46,726,246, plus strand): 5'-TCAGCCCCTCCTCGGCTGGCCCTGAGCTCTGCCCTCCCTGGGCCCCCTCTGCCCGCTCGG[G>C]GGCATGCACTGCTGCGCTGGACCGCACTGCTGTGCCTGATGGTCTTTGTCAGTGCCTTCT-3'
Protein context (NP_110404.1, residues 394-414): ALPGPPLPAR[Gly404Arg]HALLRWTALL

ClinVar aggregate classification (germline): Uncertain significance (1 of 4 stars; one submission).

Allele frequency attached by ClinVar (database versions not stated): gnomAD exomes below 0.00001; TOPMed below 0.00001.
gnomAD v4.1: 2 of 1,613,702 alleles (0.00012%); highest among the groups gnomAD compares: Non-Finnish European, 0.00017%; no homozygotes.

Submission:

GeneDx
Classification: Uncertain significance. Last evaluated: 2023-03-01. Review status: criteria provided, single submitter. Criteria: GeneDx Variant Classification Process June 2021. Collection method: clinical testing. Allele origin: germline. Affected: yes.
Comment: Not observed at significant frequency in large population cohorts (gnomAD); In silico analysis supports that this missense variant does not alter protein structure/function; Has not been previously published as pathogenic or benign to our knowledge